The following is an entry in ClinVar:

NM_007294.4(BRCA1):c.5351T>C (p.Val1784Ala)

Gene: BRCA1 (BRCA1 DNA repair associated; minus strand). Cytogenetic location: 17q21.31.
Variant type: single nucleotide variant.
Coding change: c.5351T>C on transcript NM_007294.4 (MANE Select); coding-DNA position 5351, T replaced by C.
Protein change: p.Val1784Ala; replaces valine 1784 with alanine.
Molecular consequence: missense variant. On other transcripts: non-coding transcript variant (1), intron variant (1).
Genome position (GRCh38, 1-based): chr17:43,049,176, A>G on the plus strand (T>C on the coding strand, the complement: BRCA1 is on the minus strand). VCF-style: chr17-43049176-A-G. GRCh37 (hg19) VCF-style: chr17-41201193-A-G.
Other names: c.5138T>C, p.Val1713Ala (NM_001407908.1, NM_001407909.1, NM_001407910.1 and 12 more transcripts); c.5135T>C, p.Val1712Ala (NM_001407915.1, NM_001407916.1, NM_001407917.1 and 1 more transcripts); c.5087T>C, p.Val1696Ala (NM_001407920.1, NM_001407921.1, NM_001407922.1 and 4 more transcripts); c.5084T>C, p.Val1695Ala (NM_001407932.1, NM_001407933.1, NM_001407927.1 and 4 more transcripts); c.5081T>C, p.Val1694Ala (NM_001407934.1, NM_001407935.1, NM_001407936.1); c.5018T>C, p.Val1673Ala (NM_001407946.1, NM_001407947.1, NM_001407948.1 and 1 more transcripts); c.5015T>C, p.Val1672Ala (NM_001407950.1, NM_001407951.1, NM_001407952.1 and 3 more transcripts); c.5417T>C, p.Val1806Ala (NM_001407581.1, NM_001407582.1); and 73 more; short protein forms V1805A, V1737A, V1784A, V680A, V1615A, V1630A, V1656A, V1695A.
Identifiers: ClinVar variation 868027 (VCV000868027.3), dbSNP rs1367077331, ClinGen allele CA10590759.

Conditions:
Breast-ovarian cancer, familial, susceptibility to, 1 (BROVCA1). Also called: BRCA1 Hereditary Breast and Ovarian Cancer; OVARIAN CANCER, SUSCEPTIBILITY TO. Identifiers: Orphanet 145, MedGen C2676676, MONDO:0011450, OMIM 604370. Disease mechanism: loss of function.

Submission:

Brotman Baty Institute, University of Washington
No classification provided (evidence only). Condition: Breast-ovarian cancer, familial 1. Review status: no classification provided. Collection method: in vitro. Allele origin: not applicable. Functional consequence: functionally_normal.
ClinVar note: "not provided" was previously submitted as the classification for the variant. However, the classification appeared to be based only on an observation of functional data so it was converted to no classification on 2025-07-30.